The following is an entry in ClinVar:

ClinVar aggregate classification (germline): Uncertain significance. Review status: criteria provided, multiple submitters, no conflicts (2 of 4 stars). 3 submissions from 3 submitters: Uncertain significance (3). Last evaluated 2026-09-01.

Conditions:
Inborn genetic diseases. Identifiers: MedGen C0950123, MeSH D030342.
PCNT-related disorder. Also called: PCNT-related condition.

Allele frequency attached by ClinVar (database versions not stated): 1000 Genomes Project 30x 0.00016; 1000 Genomes Project 0.00020; gnomAD 0.00020; ExAC 0.00022; TOPMed 0.00024; ESP Exome Variant Server 0.00031.
gnomAD v4.1: 80 of 1,594,398 alleles (0.005%); highest among the groups gnomAD compares: African/African-American, 0.084%; no homozygotes.

Submissions (3):

PreventionGenetics, part of Exact Sciences
Classification: Uncertain significance for PCNT-related condition. Last evaluated: 2026-09-01. Review status: criteria provided, single submitter. Criteria: ACMG Guidelines, 2015. Collection method: clinical testing. Allele origin: germline.
Comment: The PCNT c.4477G>A variant is predicted to result in the amino acid substitution p.Glu1493Lys. To our knowledge, this variant has not been reported in the literature. This variant is reported in 0.096% of alleles in individuals of African descent in gnomAD, which is likely too common for an undocumented disease-causing variant. Although we suspect this variant could be benign, at this time, the clinical significance of this variant is uncertain due to the absence of conclusive functional and genetic evidence.

Ambry Genetics
Classification: Uncertain significance for Inborn genetic diseases. Last evaluated: 2025-04-03. Review status: criteria provided, single submitter. Criteria: Ambry Variant Classification Scheme 2023. Collection method: clinical testing. Allele origin: germline.

GeneDx
Classification: Uncertain significance. Last evaluated: 2023-03-24. Review status: criteria provided, single submitter. Criteria: GeneDx Variant Classification Process June 2021. Collection method: clinical testing. Allele origin: germline. Affected: yes.
Comment: In silico analysis supports that this missense variant has a deleterious effect on protein structure/function; Missense variant in a gene in which most reported pathogenic variants are truncating/loss-of-function; Has not been previously published as pathogenic or benign to our knowledge

NM_006031.6(PCNT):c.4477G>A (p.Glu1493Lys)

Gene: PCNT (pericentrin; plus strand). Cytogenetic location: 21q22.3.
Variant type: single nucleotide variant.
Coding change: c.4477G>A on transcript NM_006031.6 (MANE Select); coding-DNA position 4477, G replaced by A.
Protein change: p.Glu1493Lys; replaces glutamic acid 1493 with lysine.
Molecular consequence: missense variant.
Genome position (GRCh38, 1-based): chr21:46,398,044, G>A. VCF-style: chr21-46398044-G-A. GRCh37 (hg19) VCF-style: chr21-47817958-G-A.
Other names: c.4123G>A, p.Glu1375Lys (NM_001315529.2); short protein forms E1375K, E1493K.
Identifiers: ClinVar variation 2446174 (VCV002446174.4), dbSNP rs141071168, ClinGen allele CA10079658.
Genomic context (GRCh38, chr21:46,398,044, plus strand): 5'-GTGGTCCCAACACGCTGCCTCTCCTCCCAGGAGCAGGCAGCCGAGCGGGAGCACGAGCGC[G>A]AGGAGTTCCAGCAGGAGATTCAGAGGCTGGAGGGGCAGCTCCGCCAGGCGGCCAAGCCGC-3'
Protein context (NP_006022.3, residues 1483-1503): EQAAEREHER[Glu1493Lys]EFQQEIQRLE